The following is an entry in ClinVar:

NM_003482.4(KMT2D):c.3682G>A (p.Gly1228Ser)

Genes: KMT2D (lysine methyltransferase 2D; minus strand), LOC126861520 (CDK7 strongly-dependent group 2 enhancer GRCh37_chr12:49442744-49443943; plus strand). Cytogenetic location: 12q13.12.
Variant type: single nucleotide variant.
Coding change: c.3682G>A on transcript NM_003482.4 (MANE Select); coding-DNA position 3682, G replaced by A.
Protein change: p.Gly1228Ser; replaces glycine 1228 with serine.
Molecular consequence: missense variant.
Genome position (GRCh38, 1-based): chr12:49,049,906, C>T on the plus strand (G>A on the coding strand, the complement: KMT2D is on the minus strand). VCF-style: chr12-49049906-C-T. GRCh37 (hg19) VCF-style: chr12-49443689-C-T.
Other names: short protein forms G1228S.
Identifiers: ClinVar variation 3392876 (VCV003392876.1).
Genomic context (GRCh38, chr12:49,049,906, plus strand): 5'-CATCCGTAGAGACCCCCAACTCCATGGACAGGGAGCCACCCCCCTCCGGGTCTGGAGAGC[C>T]CAGGAGGGGCTCTGAGCCAGGAAAACTGGCACTGGCATCACCCTGGCTCAGATTAGAGAT-3'
Protein context (NP_003473.3, residues 1218-1238): ASFPGSEPLL[Gly1228Ser]SPDPEGGGSL

ClinVar aggregate classification (germline): Uncertain significance (1 of 4 stars; one submission).

gnomAD v4.1: 1 of 1,613,812 alleles (0.000062%); highest among the groups gnomAD compares: Non-Finnish European, 0.000085%; no homozygotes.

Submission:

GeneDx
Classification: Uncertain significance. Last evaluated: 2024-06-27. Review status: criteria provided, single submitter. Criteria: GeneDx Variant Classification Process June 2021. Collection method: clinical testing. Allele origin: germline. Affected: yes.
Comment: Not observed at significant frequency in large population cohorts (gnomAD); In silico analysis indicates that this missense variant does not alter protein structure/function; Has not been previously published as pathogenic or benign to our knowledge